The following is an entry in ClinVar:

NM_016103.4(SAR1B):c.320G>A (p.Arg107Lys)

Gene: SAR1B (secretion associated Ras related GTPase 1B; minus strand). Cytogenetic location: 5q31.1.
Variant type: single nucleotide variant.
Coding change: c.320G>A on transcript NM_016103.4 (MANE Select); coding-DNA position 320, G replaced by A.
Protein change: p.Arg107Lys; replaces arginine 107 with lysine.
Molecular consequence: missense variant.
Genome position (GRCh38, 1-based): chr5:134,609,599, C>T on the plus strand (G>A on the coding strand, the complement: SAR1B is on the minus strand). VCF-style: chr5-134609599-C-T. GRCh37 (hg19) VCF-style: chr5-133945289-C-T.
Other names: c.320G>A, p.Arg107Lys (NM_001033503.3); short protein forms R107K.
Identifiers: ClinVar variation 3950104 (VCV003950104.2).

ClinVar aggregate classification (germline): Uncertain significance. Review status: criteria provided, multiple submitters, no conflicts (2 of 4 stars). 2 submissions from 2 submitters: Uncertain significance (2). Last evaluated 2025-07-31.

Conditions:
Inborn genetic diseases. Identifiers: MedGen C0950123, MeSH D030342.

gnomAD v4.1: 5 of 1,613,968 alleles (0.00031%); highest among the groups gnomAD compares: African/African-American, 0.0013%; no homozygotes.

Submissions (2):

GeneDx
Classification: Uncertain significance. Last evaluated: 2025-07-31. Review status: criteria provided, single submitter. Criteria: GeneDx Variant Classification Process June 2021. Collection method: clinical testing. Allele origin: germline. Affected: yes.
Comment: Not observed at significant frequency in large population cohorts (gnomAD); In silico analysis supports that this missense variant has a deleterious effect on protein structure/function; Has not been previously published as pathogenic or benign to our knowledge

Ambry Genetics
Classification: Uncertain significance for Inborn genetic diseases. Last evaluated: 2025-03-27. Review status: criteria provided, single submitter. Criteria: Ambry Variant Classification Scheme 2023. Collection method: clinical testing. Allele origin: germline.